The following is an entry in ClinVar:

NM_000551.4(VHL):c.-50_-28del

Gene: VHL (von Hippel-Lindau tumor suppressor; plus strand). Cytogenetic location: 3p25.3.
Variant type: Deletion.
Coding change: c.-50_-28del on transcript NM_000551.4 (MANE Select); 50 bases upstream of the start codon through 28 bases upstream of the start codon, 23 bases deleted (ACCCGCGGATCCCGCGGCGTCCG).
Molecular consequence: 5 prime UTR variant. On other transcripts: non-coding transcript variant (1).
Genome position (GRCh38, 1-based): chr3:10,141,798-10,141,820, ACCCGCGGATCCCGCGGCGTCCG deleted; deleting any 23 consecutive bases within chr3:10,141,791-10,141,820 gives the same sequence; the c. name uses the placement nearest the transcript's 3' end. VCF-style (leftmost placement, unchanged base first): chr3-10141790-CGCGTCCGACCCGCGGATCCCGCG-C. GRCh37 (hg19) VCF-style: chr3-10183474-CGCGTCCGACCCGCGGATCCCGCG-C.
Other names: c.-50_-28del (NM_001354723.2, NM_198156.3).
Identifiers: ClinVar variation 3069676 (VCV003069676.3), dbSNP rs1298211819, ClinGen allele CA2664399861.
Genomic context (GRCh38, chr3:10,141,790, plus strand): 5'-CTACCGAGCGCGCGCGAAGACTACGGAGGTCGACTCGGGAGCGCGCACGCAGCTCCGCCC[CGCGTCCGACCCGCGGATCCCGCG>C]GCGTCCGGCCCGGGTGGTCTGGATCGCGGAGGGAATGCCCCGGAGGGCGGAGAACTGGGA-3'

ClinVar aggregate classification (germline): Uncertain significance. Review status: criteria provided, multiple submitters, no conflicts (2 of 4 stars). 2 submissions from 2 submitters: Uncertain significance (2). Last evaluated 2025-10-28.

Conditions:
Chuvash polycythemia. Also called: POLYCYTHEMIA, VHL-DEPENDENT. Identifiers: Orphanet 238557, MedGen C1837915, MONDO:0009892, OMIM 263400.
Von Hippel-Lindau syndrome (VHLS). Also called: von Hippel–Lindau syndrome; VHL syndrome; Von Hippel-Lindau. Identifiers: Orphanet 892, MedGen C0019562, MONDO:0008667, OMIM 193300. Disease mechanism: loss of function.

Submissions (2):

Labcorp Genetics (formerly Invitae), Labcorp
Classification: Uncertain significance for Von Hippel-Lindau syndrome; Chuvash polycythemia. Last evaluated: 2025-10-28. Review status: criteria provided, single submitter. Criteria: Invitae Variant Classification Sherloc (09022015). Collection method: clinical testing. Allele origin: germline.
Comment: This variant occurs in a non-coding region of the VHL gene. It does not change the encoded amino acid sequence of the VHL protein. This variant is not present in population databases (gnomAD no frequency). This variant has not been reported in the literature in individuals affected with VHL-related conditions. ClinVar contains an entry for this variant (Variation ID: 3069676). Experimental studies and prediction algorithms are not available or were not evaluated, and the functional significance of this variant is currently unknown. In summary, the available evidence is currently insufficient to determine the role of this variant in disease. Therefore, it has been classified as a Variant of Uncertain Significance.

All of Us Research Program, National Institutes of Health
Classification: Uncertain significance for Von Hippel-Lindau syndrome. Last evaluated: 2023-02-24. Review status: criteria provided, single submitter. Criteria: ACMG Guidelines, 2015. Collection method: clinical testing. Allele origin: germline. Inheritance: Autosomal dominant inheritance. Observed: 1 variant allele, 1 heterozygote.
Comment: This variant causes a 23-nucleotide deletion in the 5' untranslated region of the VHL gene. To our knowledge, functional studies have not been reported for this variant. This variant has not been reported in individuals affected with VHL-related disorders in the literature. This variant has not been identified in the general population by the Genome Aggregation Database (gnomAD). The available evidence is insufficient to determine the role of this variant in disease conclusively. Therefore, this variant is classified as a Variant of Uncertain Significance.

This study involves interpretation of variants in research participants for the purpose of population health screening. Participant phenotype was not available at the time of variant classification. Additional details can be found in publication PMID: 35346344, PMCID: PMC8962531